The following is an entry in ClinVar:

ClinVar aggregate classification (germline): Uncertain significance (1 of 4 stars; one submission).

Submission:

Women's Health and Genetics/Laboratory Corporation of America, LabCorp
Classification: Uncertain significance. Last evaluated: 2024-09-23. Review status: criteria provided, single submitter. Criteria: LabCorp Variant Classification Summary - May 2015. Collection method: clinical testing. Allele origin: germline.
Comment: Variant summary: CACNA1G c.5696A>G (p.Asp1899Gly) results in a non-conservative amino acid change in the encoded protein sequence. Three of five in-silico tools predict a benign effect of the variant on protein function. The variant was absent in 233766 control chromosomes. The available data on variant occurrences in the general population are insufficient to allow any conclusion about variant significance. To our knowledge, no occurrence of c.5696A>G in individuals affected with Spinocerebellar Ataxia Type 42 and no experimental evidence demonstrating its impact on protein function have been reported. No submitters have cited clinical-significance assessments for this variant to ClinVar. Based on the evidence outlined above, the variant was classified as uncertain significance.

NM_018896.5(CACNA1G):c.5696A>G (p.Asp1899Gly)

Gene: CACNA1G (calcium voltage-gated channel subunit alpha1 G; plus strand). Cytogenetic location: 17q21.33.
Variant type: single nucleotide variant.
Coding change: c.5696A>G on transcript NM_018896.5 (MANE Select); coding-DNA position 5696, A replaced by G.
Protein change: p.Asp1899Gly; replaces aspartic acid 1899 with glycine.
Molecular consequence: missense variant. On other transcripts: non-coding transcript variant (5).
Genome position (GRCh38, 1-based): chr17:50,618,923, A>G. VCF-style: chr17-50618923-A-G. GRCh37 (hg19) VCF-style: chr17-48696284-A-G.
Other names: c.5642A>G, p.Asp1881Gly (NM_001256324.2, NM_198386.3); c.5717A>G, p.Asp1906Gly (NM_001256325.2); c.5561A>G, p.Asp1854Gly (NM_001256326.2, NM_001256330.2); c.5675A>G, p.Asp1892Gly (NM_001256327.2); c.5621A>G, p.Asp1874Gly (NM_001256328.2); c.5594A>G, p.Asp1865Gly (NM_001256329.2, NM_198376.3, NM_198379.3 and 2 more transcripts); c.5540A>G, p.Asp1847Gly (NM_001256331.2); c.5525A>G, p.Asp1842Gly (NM_001256332.2); and 7 more; short protein forms D1842G, D1847G, D1854G, D1858G, D1861G, D1863G, D1865G, D1872G.
Identifiers: ClinVar variation 3375280 (VCV003375280.1).